The following is an entry in ClinVar:

ClinVar aggregate classification (germline): Likely benign. Review status: criteria provided, multiple submitters, no conflicts (2 of 4 stars). 3 submissions from 3 submitters: Likely benign (2). 1 of the submissions does not count toward it. Last evaluated 2025-04-09.

Conditions:
PIK3CD-related disorder. Also called: PIK3CD-related condition.
Immunodeficiency 14 (IMD14A). Also called: ACTIVATED PI3K-DELTA SYNDROME 1; Activated PI3K Delta Syndrome Type 1 (APDS1); p110-DELTA-ACTIVATING MUTATION CAUSING SENESCENT T CELLS, LYMPHADENOPATHY, AND IMMUNODEFICIENCY; IMMUNODEFICIENCY 14A WITH LYMPHOPROLIFERATION, AUTOSOMAL DOMINANT. Identifiers: Orphanet 397596, Orphanet 693661, MedGen C5907821, MONDO:0014222, OMIM 615513.

Allele frequency attached by ClinVar (database versions not stated): gnomAD 0.00001; gnomAD exomes 0.00001 and 0.00004; ExAC 0.00002; TOPMed 0.00002.
gnomAD v4.1: 20 of 1,613,702 alleles (0.0012%); highest among the groups gnomAD compares: Non-Finnish European, 0.0016%; no homozygotes.

Submissions (3):

Labcorp Genetics (formerly Invitae), Labcorp
Classification: Likely benign for Activated PI3K-delta syndrome. Last evaluated: 2025-04-09. Review status: criteria provided, single submitter. Criteria: Invitae Variant Classification Sherloc (09022015). Collection method: clinical testing. Allele origin: germline.

Blueprint Genetics
Classification: Likely benign. Last evaluated: 2024-08-16. Review status: criteria provided, single submitter. Criteria: ACMG Guidelines, 2015. Collection method: clinical testing. Allele origin: germline.

PreventionGenetics, part of Exact Sciences
Classification: Likely benign for PIK3CD-related condition. Last evaluated: 2023-07-18. Review status: no assertion criteria provided. Collection method: clinical testing. Allele origin: germline. Not counted in ClinVar's aggregate classification.
Comment: This variant is classified as likely benign based on ACMG/AMP sequence variant interpretation guidelines (Richards et al. 2015 PMID: 25741868, with internal and published modifications).

NM_005026.5(PIK3CD):c.1290C>T (p.Asp430=)

Genes: PIK3CD (phosphatidylinositol-4,5-bisphosphate 3-kinase catalytic subunit delta; plus strand), LOC126805612 (MED14-independent group 3 enhancer GRCh37_chr1:9778914-9780113; plus strand). Cytogenetic location: 1p36.22.
Variant type: single nucleotide variant.
Coding change: c.1290C>T on transcript NM_005026.5 (MANE Select); coding-DNA position 1290, C replaced by T.
Protein change: p.Asp430=; no amino-acid change (aspartic acid 430 retained).
Molecular consequence: synonymous variant.
Genome position (GRCh38, 1-based): chr1:9,719,968, C>T. VCF-style: chr1-9719968-C-T. GRCh37 (hg19) VCF-style: chr1-9780026-C-T.
Other names: c.1290C>T, p.Asp430= (NM_001350234.2); c.1203C>T, p.Asp401= (NM_001350235.1); c.1290C>T (NM_005026.3).
Identifiers: ClinVar variation 1565695 (VCV001565695.11), dbSNP rs748134247, ClinGen allele CA577143.